The following is an entry in ClinVar:

ClinVar aggregate classification (germline): Uncertain significance (1 of 4 stars; one submission).

Conditions:
O'Donnell-Luria-Rodan syndrome (ODLURO). Also called: KMT2E-Related Neurodevelopmental Disorder. Identifiers: MedGen C5193138, MONDO:0032793, OMIM 618512.

gnomAD v4.1: 1 of 1,613,754 alleles (0.000062%); highest among the groups gnomAD compares: Non-Finnish European, 0.000085%; no homozygotes.

Submission:

Pittsburgh Clinical Genomics Laboratory, University of Pittsburgh Medical Center
Classification: Uncertain significance for O'Donnell-Luria-Rodan syndrome. Last evaluated: 2021-07-08. Review status: criteria provided, single submitter. Criteria: ACMG Guidelines, 2015. Collection method: clinical testing. Allele origin: germline. Inheritance: Autosomal dominant inheritance. Affected: yes.
Comment: This sequence variant is a single nucleotide substitution (G>T) that results in an alanine to serine amino acid change at position 1754 of the KMT2E protein. This is a novel variant that has not been reported to databases of clinically annotated variants (ClinVar) or observed in patients with KMT2E-related disease in the literature, to our knowledge. This variant is absent from control population datasets (gnomAD database, 0 of approximately 250,000 alleles). Multiple bioinformatic tools predict that this variant would be damaging, and the Ala1754 residue is well conserved across the mammalian species examined. Functiol studies examining the effect of this variant on protein structure or activity have not been performed, to our knowledge. At this time, there is insufficient evidence to determine if this variant is pathogenic or benign. Therefore, we consider this to be a variant of uncertain significance. ACMG Criteria: BP1, PM2, PP3

NM_182931.3(KMT2E):c.5260G>T (p.Ala1754Ser)

Gene: KMT2E (lysine methyltransferase 2E (inactive); plus strand). Cytogenetic location: 7q22.3.
Variant type: single nucleotide variant.
Coding change: c.5260G>T on transcript NM_182931.3 (MANE Select); coding-DNA position 5260, G replaced by T.
Protein change: p.Ala1754Ser; replaces alanine 1754 with serine.
Molecular consequence: missense variant.
Genome position (GRCh38, 1-based): chr7:105,113,016, G>T. VCF-style: chr7-105113016-G-T. GRCh37 (hg19) VCF-style: chr7-104753463-G-T.
Other names: c.5134G>T, p.Ala1712Ser (NM_001410908.1); c.5260G>T, p.Ala1754Ser (NM_018682.4); short protein forms A1712S, A1754S.
Identifiers: ClinVar variation 3376245 (VCV003376245.1).